The following is an entry in ClinVar:

NM_001364929.1(ECPAS):c.1794G>A (p.Ala598=)

Gene: ECPAS (Ecm29 proteasome adaptor and scaffold; minus strand). Cytogenetic location: 9q31.3.
Variant type: single nucleotide variant.
Coding change: c.1794G>A on transcript NM_001364929.1 (MANE Select); coding-DNA position 1794, G replaced by A.
Protein change: p.Ala598=; no amino-acid change (alanine 598 retained).
Molecular consequence: synonymous variant.
Genome position (GRCh38, 1-based): chr9:111,414,622, C>T on the plus strand (G>A on the coding strand, the complement: ECPAS is on the minus strand). VCF-style: chr9-111414622-C-T. GRCh37 (hg19) VCF-style: chr9-114176902-C-T.
Other names: c.1794G>A, p.Ala598= (NM_001363756.2, NM_001364930.1); c.1812G>A, p.Ala604= (NM_001364931.1).
Identifiers: ClinVar variation 2659427 (VCV002659427.24), dbSNP rs192111516, ClinGen allele CA5186221.

ClinVar aggregate classification (germline): Likely benign (1 of 4 stars; one submission).

Allele frequency attached by ClinVar (database versions not stated): TOPMed 0.00025; 1000 Genomes Project 30x 0.00078; 1000 Genomes Project 0.00080; gnomAD exomes 0.00009; gnomAD 0.00011; ExAC 0.00022.
gnomAD v4.1: 147 of 1,613,564 alleles (0.0091%); highest among the groups gnomAD compares: East Asian, 0.26%; no homozygotes.

Submission:

CeGaT Center for Human Genetics Tuebingen
Classification: Likely benign. Last evaluated: 2022-07-01. Review status: criteria provided, single submitter. Criteria: CeGaT Center For Human Genetics Tuebingen Variant Classification Criteria Version 2. Collection method: clinical testing. Allele origin: germline. Affected: yes. Observed: 1 variant allele.
Comment: ECPAS: BP4, BP7